The following is an entry in ClinVar:

ClinVar aggregate classification (germline): Benign. Review status: criteria provided, multiple submitters, no conflicts (2 of 4 stars). 2 submissions from 2 submitters: Benign (2). Last evaluated 2018-06-14.

Allele frequency attached by ClinVar (database versions not stated): 1000 Genomes Project 30x 0.07214; 1000 Genomes Project 0.07368; TOPMed 0.07385; gnomAD 0.07477 and 0.07482; gnomAD exomes 0.07785 and 0.08402; ExAC 0.07820; ESP Exome Variant Server 0.07913.
gnomAD v4.1: 133,791 of 1,611,280 alleles (8.3%); highest among the groups gnomAD compares: East Asian, 12%; 5,672 homozygotes.

Submissions (2):

GeneDx
Classification: Benign. Last evaluated: 2018-06-14. Review status: criteria provided, single submitter. Criteria: GeneDx Variant Classification (06012015). Collection method: clinical testing. Allele origin: germline. Affected: yes.
Comment: This variant is considered likely benign or benign based on one or more of the following criteria: it is a conservative change, it occurs at a poorly conserved position in the protein, it is predicted to be benign by multiple in silico algorithms, and/or has population frequency not consistent with disease.

Breakthrough Genomics
Classification: Benign. Review status: criteria provided, single submitter. Criteria: ACMG Guidelines, 2015. Collection method: not provided. Allele origin: germline. Inheritance: Autosomal recessive inheritance. Affected: yes.

NM_020778.5(ALPK3):c.4129+37C>T

Gene: ALPK3 (alpha kinase 3; plus strand). Cytogenetic location: 15q25.3.
Variant type: single nucleotide variant.
Coding change: c.4129+37C>T on transcript NM_020778.5 (MANE Select); 37 bases into the intron after coding-DNA position 4129, C replaced by T.
Molecular consequence: intron variant.
Genome position (GRCh38, 1-based): chr15:84,860,109, C>T. VCF-style: chr15-84860109-C-T. GRCh37 (hg19) VCF-style: chr15-85403340-C-T.
Identifiers: ClinVar variation 678448 (VCV000678448.2), dbSNP rs2289140, ClinGen allele CA7709872.